The following is an entry in ClinVar:

NM_006231.4(POLE):c.3700G>C (p.Val1234Leu)

Gene: POLE (DNA polymerase epsilon, catalytic subunit; minus strand). Cytogenetic location: 12q24.33.
Variant type: single nucleotide variant.
Coding change: c.3700G>C on transcript NM_006231.4 (MANE Select); coding-DNA position 3700, G replaced by C.
Protein change: p.Val1234Leu; replaces valine 1234 with leucine.
Molecular consequence: missense variant.
Genome position (GRCh38, 1-based): chr12:132,649,772, C>G on the plus strand (G>C on the coding strand, the complement: POLE is on the minus strand). VCF-style: chr12-132649772-C-G. GRCh37 (hg19) VCF-style: chr12-133226358-C-G.
Other names: c.3700G>C (NM_006231.2); short protein forms V1234L.
Identifiers: ClinVar variation 1485988 (VCV001485988.8), dbSNP rs2042379718, ClinGen allele CA387386502.

ClinVar aggregate classification (germline): Uncertain significance. Review status: criteria provided, multiple submitters, no conflicts (2 of 4 stars). 2 submissions from 2 submitters: Uncertain significance (2). Last evaluated 2025-10-27.

Conditions:
Hereditary cancer-predisposing syndrome. Also called: Hereditary neoplastic syndrome; Neoplastic Syndromes, Hereditary; Hereditary Cancer Syndrome; Tumor predisposition. Identifiers: Orphanet 140162, MedGen C0027672, MeSH D009386, MONDO:0015356.

Allele frequency attached by ClinVar (database versions not stated): gnomAD 0.00001.
gnomAD v4.1: 1 of 1,614,112 alleles (0.000062%); highest among the groups gnomAD compares: African/African-American, 0.0013%; no homozygotes.

Submissions (2):

Labcorp Genetics (formerly Invitae), Labcorp
Classification: Uncertain significance. Last evaluated: 2025-10-27. Review status: criteria provided, single submitter. Criteria: Invitae Variant Classification Sherloc (09022015). Collection method: clinical testing. Allele origin: germline.
Comment: This sequence change replaces valine, which is neutral and non-polar, with leucine, which is neutral and non-polar, at codon 1234 of the POLE protein (p.Val1234Leu). This variant is not present in population databases (gnomAD no frequency). This variant has not been reported in the literature in individuals affected with POLE-related conditions. ClinVar contains an entry for this variant (Variation ID: 1485988). Invitae Evidence Modeling of protein sequence and biophysical properties (such as structural, functional, and spatial information, amino acid conservation, physicochemical variation, residue mobility, and thermodynamic stability) indicates that this missense variant is not expected to disrupt POLE protein function with a negative predictive value of 80%. In summary, the available evidence is currently insufficient to determine the role of this variant in disease. Therefore, it has been classified as a Variant of Uncertain Significance.

Ambry Genetics
Classification: Uncertain significance for Hereditary cancer-predisposing syndrome. Last evaluated: 2025-06-29. Review status: criteria provided, single submitter. Criteria: Ambry Variant Classification Scheme 2023. Collection method: clinical testing. Allele origin: germline.